The following is an entry in ClinVar:

NM_004239.4(TRIP11):c.1475C>G (p.Thr492Arg)

Gene: TRIP11 (thyroid hormone receptor interactor 11; minus strand). Cytogenetic location: 14q32.12.
Variant type: single nucleotide variant.
Coding change: c.1475C>G on transcript NM_004239.4 (MANE Select); coding-DNA position 1475, C replaced by G.
Protein change: p.Thr492Arg; replaces threonine 492 with arginine.
Molecular consequence: missense variant.
Genome position (GRCh38, 1-based): chr14:92,007,692, G>C on the plus strand (C>G on the coding strand, the complement: TRIP11 is on the minus strand). VCF-style: chr14-92007692-G-C. GRCh37 (hg19) VCF-style: chr14-92474036-G-C.
Other names: c.1472C>G, p.Thr491Arg (NM_001321851.1); short protein forms T492R, T491R.
Identifiers: ClinVar variation 4741812 (VCV004741812.1).

ClinVar aggregate classification (germline): Uncertain significance (1 of 4 stars; one submission).

Conditions:
Achondrogenesis, type IA (ACG1A). Identifiers: Orphanet 932, Orphanet 93299, MedGen C0265273, MONDO:0008701, OMIM 200600.

gnomAD v4.1: 8 of 1,613,612 alleles (0.0005%); highest among the groups gnomAD compares: South Asian, 0.0011%; no homozygotes.

Submission:

Labcorp Genetics (formerly Invitae), Labcorp
Classification: Uncertain significance for Achondrogenesis, type IA. Last evaluated: 2025-04-02. Review status: criteria provided, single submitter. Criteria: Invitae Variant Classification Sherloc (09022015). Collection method: clinical testing. Allele origin: germline.
Comment: This sequence change replaces threonine, which is neutral and polar, with arginine, which is basic and polar, at codon 492 of the TRIP11 protein (p.Thr492Arg). This variant is present in population databases (no rsID available, gnomAD 0.003%). This variant has not been reported in the literature in individuals affected with TRIP11-related conditions. Invitae Evidence Modeling of protein sequence and biophysical properties (such as structural, functional, and spatial information, amino acid conservation, physicochemical variation, residue mobility, and thermodynamic stability) indicates that this missense variant is not expected to disrupt TRIP11 protein function with a negative predictive value of 80%. In summary, the available evidence is currently insufficient to determine the role of this variant in disease. Therefore, it has been classified as a Variant of Uncertain Significance.